The following is an entry in ClinVar:

NM_021930.6(RINT1):c.414G>A (p.Ala138=)

Gene: RINT1 (RAD50 interactor 1; plus strand). Cytogenetic location: 7q22.3.
Variant type: single nucleotide variant.
Coding change: c.414G>A on transcript NM_021930.6 (MANE Select); coding-DNA position 414, G replaced by A.
Protein change: p.Ala138=; no amino-acid change (alanine 138 retained).
Molecular consequence: synonymous variant. On other transcripts: 5 prime UTR variant (3), non-coding transcript variant (1).
Genome position (GRCh38, 1-based): chr7:105,542,548, G>A. VCF-style: chr7-105542548-G-A. GRCh37 (hg19) VCF-style: chr7-105182995-G-A.
Other names: c.414G>A (NM_021930.5); c.180G>A, p.Ala60= (NM_001346599.2); c.-606G>A (NM_001346600.2); c.-509G>A (NM_001346601.2); c.-129G>A (NM_001346603.2).
Identifiers: ClinVar variation 403378 (VCV000403378.19), dbSNP rs7805216, ClinGen allele CA4426419.

ClinVar aggregate classification (germline): Benign. Review status: criteria provided, multiple submitters, no conflicts (2 of 4 stars). 5 submissions from 5 submitters: Benign (4). 1 of the submissions does not count toward it. Last evaluated 2026-01-28.

Conditions:
RINT1-related disorder. Also called: RINT1-related condition.

Allele frequency attached by ClinVar (database versions not stated): gnomAD 0.05199 and 0.05545; TOPMed 0.05934; ESP Exome Variant Server 0.05966; 1000 Genomes Project 0.06130; 1000 Genomes Project 30x 0.06636.
gnomAD v4.1: 15,754 of 1,614,042 alleles (0.98%); highest among the groups gnomAD compares: African/African-American, 18%; 1,307 homozygotes.

Submissions (5):

Labcorp Genetics (formerly Invitae), Labcorp
Classification: Benign. Last evaluated: 2026-01-28. Review status: criteria provided, single submitter. Criteria: Invitae Variant Classification Sherloc (09022015). Collection method: clinical testing. Allele origin: germline.

Ambry Genetics
Classification: Benign. Last evaluated: 2020-07-30. Review status: criteria provided, single submitter. Criteria: Ambry Variant Classification Scheme 2023. Collection method: clinical testing. Allele origin: germline.

Laboratory for Molecular Medicine, Mass General Brigham Personalized Medicine
Classification: Benign. Last evaluated: 2016-03-29. Review status: criteria provided, single submitter. Criteria: LMM Criteria. Collection method: clinical testing. Allele origin: germline.
Comment: Variant identified in a genome or exome case(s) and assessed due to predicted null impact of the variant or pathogenic assertions in the literature or databases. Disclaimer: This variant has not undergone full assessment. The following are preliminary notes: Frequency

Breakthrough Genomics
Classification: Benign. Review status: criteria provided, single submitter. Criteria: ACMG Guidelines, 2015. Collection method: not provided. Allele origin: germline. Inheritance: Autosomal recessive inheritance. Affected: yes.

PreventionGenetics, part of Exact Sciences
Classification: Benign for RINT1-related condition. Last evaluated: 2019-03-08. Review status: no assertion criteria provided. Collection method: clinical testing. Allele origin: germline. Not counted in ClinVar's aggregate classification.
Comment: This variant is classified as benign based on ACMG/AMP sequence variant interpretation guidelines (Richards et al. 2015 PMID: 25741868, with internal and published modifications).